The following is an entry in ClinVar:

NM_024577.4(SH3TC2):c.1360A>G (p.Met454Val)

Gene: SH3TC2 (SH3 domain and tetratricopeptide repeats 2; minus strand). Cytogenetic location: 5q32.
Variant type: single nucleotide variant.
Coding change: c.1360A>G on transcript NM_024577.4 (MANE Select); coding-DNA position 1360, A replaced by G.
Protein change: p.Met454Val; replaces methionine 454 with valine.
Molecular consequence: missense variant.
Genome position (GRCh38, 1-based): chr5:149,028,372, T>C on the plus strand (A>G on the coding strand, the complement: SH3TC2 is on the minus strand). VCF-style: chr5-149028372-T-C. GRCh37 (hg19) VCF-style: chr5-148407935-T-C.
Other names: short protein forms M454V.
Identifiers: ClinVar variation 448365 (VCV000448365.10), dbSNP rs1554121765, ClinGen allele CA361669012.
Genomic context (GRCh38, chr5:149,028,372, plus strand): 5'-GAAAAGCCAATATGGGGGCGAAGTTCTCAGCCTCCTCCTCCTGACCAGTGCTTAGGTCCA[T>C]GAGCAGTTCCGGGTCATCAAGGTCATCAGGCTCCGGCAGGCGATAGCTGTCTGAGGTGGC-3'
Protein context (NP_078853.2, residues 444-464): PDDLDDPELL[Met454Val]DLSTGQEEEA

ClinVar aggregate classification (germline): Uncertain significance. Review status: criteria provided, multiple submitters, no conflicts (2 of 4 stars). 2 submissions from 2 submitters: Uncertain significance (2). Last evaluated 2025-06-18.

Conditions:
Charcot-Marie-Tooth disease type 4. Also called: Charcot-Marie-Tooth, Type 4; Charcot-Marie-Tooth disease, type IV. Identifiers: Orphanet 64749, MedGen C4082197, MONDO:0018995.

Allele frequency attached by ClinVar (database versions not stated): gnomAD exomes 0.00001.
gnomAD v4.1: 8 of 1,614,128 alleles (0.0005%); highest among the groups gnomAD compares: Non-Finnish European, 0.00068%; no homozygotes.

Submissions (2):

Labcorp Genetics (formerly Invitae), Labcorp
Classification: Uncertain significance for Charcot-Marie-Tooth disease type 4. Last evaluated: 2025-06-18. Review status: criteria provided, single submitter. Criteria: Invitae Variant Classification Sherloc (09022015). Collection method: clinical testing. Allele origin: germline.
Comment: This sequence change replaces methionine, which is neutral and non-polar, with valine, which is neutral and non-polar, at codon 454 of the SH3TC2 protein (p.Met454Val). This variant is not present in population databases (gnomAD no frequency). This variant has not been reported in the literature in individuals affected with SH3TC2-related conditions. ClinVar contains an entry for this variant (Variation ID: 448365). Invitae Evidence Modeling of protein sequence and biophysical properties (such as structural, functional, and spatial information, amino acid conservation, physicochemical variation, residue mobility, and thermodynamic stability) indicates that this missense variant is not expected to disrupt SH3TC2 protein function with a negative predictive value of 95%. In summary, the available evidence is currently insufficient to determine the role of this variant in disease. Therefore, it has been classified as a Variant of Uncertain Significance.

Athena Diagnostics
Classification: Uncertain significance. Last evaluated: 2017-03-21. Review status: criteria provided, single submitter. Criteria: Athena Diagnostics Criteria. Collection method: clinical testing. Allele origin: germline.